The following is an entry in ClinVar:

ClinVar aggregate classification (germline): Likely pathogenic (0 of 4 stars; one submission).

Conditions:
APC-related disorder. Also called: APC-related condition.

Submission:

PreventionGenetics, part of Exact Sciences
Classification: Likely pathogenic for APC-related condition. Last evaluated: 2024-08-16. Review status: no assertion criteria provided. Collection method: clinical testing. Allele origin: germline.
Comment: The APC c.7641G>A variant is predicted to result in premature protein termination (p.Trp2547*). To our knowledge, this variant has not been reported in the literature or in a large population database, indicating this variant is rare. This variant has not been reported in ClinVar. Nonsense variants in APC are expected to be pathogenic. This variant is interpreted as likely pathogenic.

NM_000038.6(APC):c.7641G>A (p.Trp2547Ter)

Gene: APC (APC regulator of WNT signaling pathway; plus strand). Cytogenetic location: 5q22.2.
Variant type: single nucleotide variant.
Coding change: c.7641G>A on transcript NM_000038.6 (MANE Select); coding-DNA position 7641, G replaced by A.
Protein change: p.Trp2547Ter; replaces tryptophan 2547 with a stop codon.
Molecular consequence: nonsense. On other transcripts: non-coding transcript variant (2).
Genome position (GRCh38, 1-based): chr5:112,843,235, G>A. VCF-style: chr5-112843235-G-A. GRCh37 (hg19) VCF-style: chr5-112178932-G-A.
Other names: c.7641G>A, p.Trp2547Ter (NM_001127510.3, NM_001354895.2, NM_001407450.1); c.7587G>A, p.Trp2529Ter (NM_001127511.3); c.7695G>A, p.Trp2565Ter (NM_001354896.2, NM_001407447.1, NM_001407448.1 and 1 more transcripts); c.7671G>A, p.Trp2557Ter (NM_001354897.2); c.7566G>A, p.Trp2522Ter (NM_001354898.2); c.7557G>A, p.Trp2519Ter (NM_001354899.2); c.7518G>A, p.Trp2506Ter (NM_001354900.2); c.7464G>A, p.Trp2488Ter (NM_001354901.2, NM_001407453.1); and 11 more; short protein forms W2163*, W2264*, W2387*, W2418*, W2421*, W2446*, W2456*, W2464*.
Identifiers: ClinVar variation 3347157 (VCV003347157.1).